The following is an entry in ClinVar:

NM_001271938.2(MEGF8):c.7492G>A (p.Gly2498Arg)

Gene: MEGF8 (multiple EGF like domains 8; plus strand). Cytogenetic location: 19q13.2.
Variant type: single nucleotide variant.
Coding change: c.7492G>A on transcript NM_001271938.2 (MANE Select); coding-DNA position 7492, G replaced by A.
Protein change: p.Gly2498Arg; replaces glycine 2498 with arginine.
Molecular consequence: missense variant.
Genome position (GRCh38, 1-based): chr19:42,375,729, G>A. VCF-style: chr19-42375729-G-A. GRCh37 (hg19) VCF-style: chr19-42879881-G-A.
Other names: c.7291G>A, p.Gly2431Arg (NM_001410.3); short protein forms G2431R, G2498R.
Identifiers: ClinVar variation 2721740 (VCV002721740.1), dbSNP rs554506062, ClinGen allele CA9476190.

ClinVar aggregate classification (germline): Uncertain significance (1 of 4 stars; one submission).

Conditions:
MEGF8-related Carpenter syndrome. Also called: Carpenter syndrome 2. Identifiers: Orphanet 65759, MedGen C3554247, MONDO:0013998, OMIM 614976.

Allele frequency attached by ClinVar (database versions not stated): gnomAD exomes below 0.00001; ExAC 0.00001; gnomAD 0.00001; 1000 Genomes Project 30x 0.00016; 1000 Genomes Project 0.00020.
gnomAD v4.1: 6 of 1,612,056 alleles (0.00037%); highest among the groups gnomAD compares: South Asian, 0.0022%; no homozygotes.

Submission:

Labcorp Genetics (formerly Invitae), Labcorp
Classification: Uncertain significance for MEGF8-related Carpenter syndrome. Last evaluated: 2023-07-18. Review status: criteria provided, single submitter. Criteria: Invitae Variant Classification Sherloc (09022015). Collection method: clinical testing. Allele origin: germline.
Comment: In summary, the available evidence is currently insufficient to determine the role of this variant in disease. Therefore, it has been classified as a Variant of Uncertain Significance. An algorithm developed to predict the effect of missense changes on protein structure and function (PolyPhen-2) suggests that this variant is likely to be disruptive. This variant has not been reported in the literature in individuals affected with MEGF8-related conditions. This variant is present in population databases (rs554506062, gnomAD 0.007%). This sequence change replaces glycine, which is neutral and non-polar, with arginine, which is basic and polar, at codon 2431 of the MEGF8 protein (p.Gly2431Arg).